The following is an entry in ClinVar:

ClinVar aggregate classification (germline): Benign. Review status: criteria provided, multiple submitters, no conflicts (2 of 4 stars). 2 submissions from 2 submitters: Benign (2). Last evaluated 2018-01-12.

Conditions:
Sarcoglycanopathy. Identifiers: Orphanet 207052, MedGen C2936331, MONDO:0016140.

Allele frequency attached by ClinVar (database versions not stated): ExAC 0.01150; gnomAD exomes 0.02170 and 0.02193; 1000 Genomes Project 0.03614; 1000 Genomes Project 30x 0.03654; gnomAD 0.04008 and 0.04210; TOPMed 0.04084.
gnomAD v4.1: 13,951 of 508,056 alleles (2.7%); highest among the groups gnomAD compares: African/African-American, 8.6%; 308 homozygotes.

Submissions (2):

Illumina Laboratory Services, Illumina
Classification: Benign for Sarcoglycanopathy. Last evaluated: 2018-01-12. Review status: criteria provided, single submitter. Criteria: ICSL Variant Classification Criteria 13 December 2019. Collection method: clinical testing. Allele origin: germline.
Comment: This variant was observed in the ICSL laboratory as part of a predisposition screen in an ostensibly healthy population. It had not been previously curated by ICSL or reported in the Human Gene Mutation Database (HGMD: prior to June 1st, 2018), and was therefore a candidate for classification through an automated scoring system. Utilizing variant allele frequency, disease prevalence and penetrance estimates, and inheritance mode, an automated score was calculated to assess if this variant is too frequent to cause the disease. Based on the score and internal cut-off values, a variant classified as benign is not then subjected to further curation. The score for this variant resulted in a classification of benign for this disease.

Breakthrough Genomics
Classification: Benign. Review status: criteria provided, single submitter. Criteria: ACMG Guidelines, 2015. Collection method: not provided. Allele origin: germline. Inheritance: Autosomal recessive inheritance. Affected: yes.

NM_000023.4(SGCA):c.*92C>T

Genes: SGCA (sarcoglycan alpha; plus strand), LOC121587601 (Sharpr-MPRA regulatory region 9980; plus strand). Cytogenetic location: 17q21.33.
Variant type: single nucleotide variant.
Coding change: c.*92C>T on transcript NM_000023.4 (MANE Select); 92 bases downstream of the stop codon, C replaced by T.
Molecular consequence: 3 prime UTR variant. On other transcripts: non-coding transcript variant (1).
Genome position (GRCh38, 1-based): chr17:50,175,791, C>T. VCF-style: chr17-50175791-C-T. GRCh37 (hg19) VCF-style: chr17-48253152-C-T.
Other names: c.*92C>T (NM_001135697.3).
Identifiers: ClinVar variation 324048 (VCV000324048.6), dbSNP rs77472740, ClinGen allele CA8644114.
Genomic context (GRCh38, chr17:50,175,791, plus strand): 5'-GACTTCATCCTCCCTTCTCTGTCCACACCACGAGTGGCACATCCCACCTGCTGATTCCAG[C>T]TCCTGGCCCTCCTGGAACCCAGGCTCTAAACAAGCAGGGAGAGGGGGTGGGGTGGGGTGA-3'